The following is an entry in ClinVar:

NM_014244.5(ADAMTS2):c.1797C>T (p.Thr599=)

Gene: ADAMTS2 (ADAM metallopeptidase with thrombospondin type 1 motif 2; minus strand). Cytogenetic location: 5q35.3.
Variant type: single nucleotide variant.
Coding change: c.1797C>T on transcript NM_014244.5 (MANE Select); coding-DNA position 1797, C replaced by T.
Protein change: p.Thr599=; no amino-acid change (threonine 599 retained).
Molecular consequence: synonymous variant.
Genome position (GRCh38, 1-based): chr5:179,137,923, G>A on the plus strand (C>T on the coding strand, the complement: ADAMTS2 is on the minus strand). VCF-style: chr5-179137923-G-A. GRCh37 (hg19) VCF-style: chr5-178564924-G-A.
Identifiers: ClinVar variation 2498994 (VCV002498994.28), dbSNP rs2480196600, ClinGen allele CA448037692.

ClinVar aggregate classification (germline): Likely benign (1 of 4 stars; one submission).

Allele frequency attached by ClinVar (database versions not stated): gnomAD exomes below 0.00001.
gnomAD v4.1: 1 of 1,549,798 alleles (0.000065%); highest among the groups gnomAD compares: Non-Finnish European, 0.000087%; no homozygotes.

Submission:

CeGaT Center for Human Genetics Tuebingen
Classification: Likely benign. Last evaluated: 2023-01-01. Review status: criteria provided, single submitter. Criteria: CeGaT Center For Human Genetics Tuebingen Variant Classification Criteria Version 2. Collection method: clinical testing. Allele origin: germline. Affected: yes. Observed: 1 variant allele.
Comment: ADAMTS2: PM2:Supporting, BP4, BP7